The following is an entry in ClinVar:

NM_001042492.3(NF1):c.1115A>T (p.Asp372Val)

Gene: NF1 (neurofibromin 1; plus strand). Cytogenetic location: 17q11.2.
Variant type: single nucleotide variant.
Coding change: c.1115A>T on transcript NM_001042492.3 (MANE Select); coding-DNA position 1115, A replaced by T.
Protein change: p.Asp372Val; replaces aspartic acid 372 with valine.
Molecular consequence: missense variant.
Genome position (GRCh38, 1-based): chr17:31,201,089, A>T. VCF-style: chr17-31201089-A-T. GRCh37 (hg19) VCF-style: chr17-29528107-A-T.
Other names: c.1115A>T, p.Asp372Val (NM_000267.4, NM_001128147.3); short protein forms D372V.
Identifiers: ClinVar variation 965619 (VCV000965619.6), dbSNP rs2066519935, ClinGen allele CA398996936.

ClinVar aggregate classification (germline): Uncertain significance (1 of 4 stars; one submission).

Conditions:
Neurofibromatosis, type 1 (NF1). Also called: Neurofibromatosis, type I; Peripheral type neurofibromatosis; VON RECKLINGHAUSEN DISEASE; NEUROFIBROMATOSIS, TYPE I, SOMATIC. Identifiers: Orphanet 636, MedGen C0027831, MONDO:0018975, OMIM 162200. Disease mechanism: loss of function.

Submission:

Labcorp Genetics (formerly Invitae), Labcorp
Classification: Uncertain significance for Neurofibromatosis, type 1. Last evaluated: 2024-12-16. Review status: criteria provided, single submitter. Criteria: Invitae Variant Classification Sherloc (09022015). Collection method: clinical testing. Allele origin: germline.
Comment: This sequence change replaces aspartic acid, which is acidic and polar, with valine, which is neutral and non-polar, at codon 372 of the NF1 protein (p.Asp372Val). This variant is not present in population databases (gnomAD no frequency). This variant has not been reported in the literature in individuals affected with NF1-related conditions. ClinVar contains an entry for this variant (Variation ID: 965619). Invitae Evidence Modeling of protein sequence and biophysical properties (such as structural, functional, and spatial information, amino acid conservation, physicochemical variation, residue mobility, and thermodynamic stability) indicates that this missense variant is expected to disrupt NF1 protein function with a positive predictive value of 95%. In summary, the available evidence is currently insufficient to determine the role of this variant in disease. Therefore, it has been classified as a Variant of Uncertain Significance.